The following is an entry in ClinVar:

NM_000202.8(IDS):c.140T>C (p.Leu47Pro)

Gene: IDS (iduronate 2-sulfatase; minus strand). Cytogenetic location: Xq28.
Variant type: single nucleotide variant.
Coding change: c.140T>C on transcript NM_000202.8 (MANE Select); coding-DNA position 140, T replaced by C.
Protein change: p.Leu47Pro; replaces leucine 47 with proline.
Molecular consequence: missense variant. On other transcripts: 5 prime UTR variant (1), non-coding transcript variant (1).
Genome position (GRCh38, 1-based): chrX:149,504,257, A>G on the plus strand (T>C on the coding strand, the complement: IDS is on the minus strand). VCF-style: chrX-149504257-A-G. GRCh37 (hg19) VCF-style: chrX-148585787-A-G.
Other names: c.-87T>C (NM_001166550.4); c.140T>C, p.Leu47Pro (NM_006123.5); short protein forms L47P.
Identifiers: ClinVar variation 3255896 (VCV003255896.2).

ClinVar aggregate classification (germline): Likely pathogenic (1 of 4 stars; one submission).

Conditions:
Mucopolysaccharidosis, MPS-II (MPS2). Also called: Hunter Syndrome; IDURONATE 2-SULFATASE DEFICIENCY; Mucopolysaccharidosis Type II; Mucopolysaccharidosis type 2; Attenuated MPS (subtype; formerly known as mild MPS II); Severe MPS II. Identifiers: Orphanet 580, Orphanet 79388, MedGen C0026705, MONDO:0010674, OMIM 309900.

Submission:

Laboratory of Diagnosis and Therapy of Lysosomal Disorders, University of Padova
Classification: Likely pathogenic for Mucopolysaccharidosis, MPS-II. Last evaluated: 2024-06-07. Review status: criteria provided, single submitter. Criteria: ACMG Guidelines, 2015. Collection method: literature only. Allele origin: germline. Affected: yes. Observed: 1 variant allele.
Comment: Absent from controls (or at low frequency) in gnomAD database (PM2_Moderate), Missense variant in a gene with a low rate of benign missense variation (PP2_Supporting), Multiple lines of computational evidence support a deleterious effect (PP3_Supporting), Patient’s phenotype or family history highly specific for the disease (PP4_Moderate)

Classification method: ACMG Guidelines [PMID:25741868] with modifications

Literature cited by the submitters: PubMed 34670126.